The following is an entry in ClinVar:

NM_000326.5(RLBP1):c.811del (p.Asp271fs)

Gene: RLBP1 (retinaldehyde binding protein 1; minus strand). Cytogenetic location: 15q26.1.
Variant type: Deletion.
Coding change: c.811del on transcript NM_000326.5 (MANE Select); coding-DNA position 811, one base deleted (G; older notation c.811delG).
Protein change: p.Asp271fs; shifts the reading frame from aspartic acid 271.
Molecular consequence: frameshift variant.
Genome position (GRCh38, 1-based): chr15:89,210,428, C deleted on the plus strand (G on the coding strand, the reverse complement: RLBP1 is on the minus strand); the first of 4 consecutive C bases (chr15:89,210,428-89,210,431); deleting any one gives the same sequence. VCF-style (leftmost placement, unchanged base first): chr15-89210427-TC-T. GRCh37 (hg19) VCF-style: chr15-89753658-TC-T.
Other names: short protein forms D271fs.
Identifiers: ClinVar variation 3704469 (VCV003704469.2).

ClinVar aggregate classification (germline): Pathogenic (1 of 4 stars; one submission).

Submission:

Labcorp Genetics (formerly Invitae), Labcorp
Classification: Pathogenic. Last evaluated: 2024-02-08. Review status: criteria provided, single submitter. Criteria: Invitae Variant Classification Sherloc (09022015). Collection method: clinical testing. Allele origin: germline.
Comment: This sequence change results in a frameshift in the RLBP1 gene (p.Asp271Metfs*58). While this is not anticipated to result in nonsense mediated decay, it is expected to disrupt the last 47 amino acid(s) of the RLBP1 protein and extend the protein by 10 additional amino acid residues. This variant is not present in population databases (gnomAD no frequency). This frameshift has been observed in individual(s) with autosomal recessive retinitis pigmentosa (PMID: 30029497, 33090715). This variant disrupts a region of the RLBP1 protein in which other variant(s) (p.Gln278*) have been determined to be pathogenic (PMID: 22559933, 25429852, 33851411; Invitae). This suggests that this is a clinically significant region of the protein, and that variants that disrupt it are likely to be disease-causing. For these reasons, this variant has been classified as Pathogenic.

Literature cited by the submitters: PubMed 30029497; PubMed 33090715; PubMed 22559933; PubMed 25429852; PubMed 33851411.